The following is an entry in ClinVar:

ClinVar aggregate classification (germline): Uncertain significance (1 of 4 stars; one submission).

gnomAD v4.1: 1 of 1,613,984 alleles (0.000062%); highest among the groups gnomAD compares: Admixed American, 0.0017%; no homozygotes.

Submission:

Labcorp Genetics (formerly Invitae), Labcorp
Classification: Uncertain significance. Last evaluated: 2024-10-27. Review status: criteria provided, single submitter. Criteria: Invitae Variant Classification Sherloc (09022015). Collection method: clinical testing. Allele origin: germline.
Comment: This sequence change replaces cysteine, which is neutral and slightly polar, with tyrosine, which is neutral and polar, at codon 829 of the NIN protein (p.Cys829Tyr). This variant is present in population databases (no rsID available, gnomAD 0.003%). This variant has not been reported in the literature in individuals affected with NIN-related conditions. An algorithm developed to predict the effect of missense changes on protein structure and function outputs the following: PolyPhen-2: "Benign". The tyrosine amino acid residue is found in multiple mammalian species, which suggests that this missense change does not adversely affect protein function. In summary, the available evidence is currently insufficient to determine the role of this variant in disease. Therefore, it has been classified as a Variant of Uncertain Significance.

NM_020921.4(NIN):c.2486G>A (p.Cys829Tyr)

Gene: NIN (ninein; minus strand). Cytogenetic location: 14q22.1.
Variant type: single nucleotide variant.
Coding change: c.2486G>A on transcript NM_020921.4 (MANE Select); coding-DNA position 2486, G replaced by A.
Protein change: p.Cys829Tyr; replaces cysteine 829 with tyrosine.
Molecular consequence: missense variant. On other transcripts: intron variant (1).
Genome position (GRCh38, 1-based): chr14:50,758,544, C>T on the plus strand (G>A on the coding strand, the complement: NIN is on the minus strand). VCF-style: chr14-50758544-C-T. GRCh37 (hg19) VCF-style: chr14-51225262-C-T.
Other names: c.2486G>A, p.Cys829Tyr (NM_182944.3, NM_182946.2); c.2399+1313G>A (NM_016350.5); short protein forms C829Y.
Identifiers: ClinVar variation 3618184 (VCV003618184.2).